The following is an entry in ClinVar:

NM_000455.5(STK11):c.540del (p.Asn181fs)

Gene: STK11 (serine/threonine kinase 11; plus strand). Cytogenetic location: 19p13.3.
Variant type: Deletion.
Coding change: c.540del on transcript NM_000455.5 (MANE Select); coding-DNA position 540, one base deleted (G; older notation c.540delG).
Protein change: p.Asn181fs; shifts the reading frame from asparagine 181.
Molecular consequence: frameshift variant.
Genome position (GRCh38, 1-based): chr19:1,220,448, G deleted; the last of 4 consecutive G bases (chr19:1,220,445-1,220,448); deleting any one gives the same sequence. VCF-style (leftmost placement, unchanged base first): chr19-1220444-CG-C. GRCh37 (hg19) VCF-style: chr19-1220443-CG-C.
Other names: c.540delG (NM_000455.4); short protein forms N181fs.
Identifiers: ClinVar variation 545746 (VCV000545746.12), dbSNP rs1131690939, ClinGen allele CA658824798.

ClinVar aggregate classification (germline): Pathogenic. Review status: criteria provided, multiple submitters, no conflicts (2 of 4 stars). 5 submissions from 5 submitters: Pathogenic (5). Last evaluated 2024-02-12.

Conditions:
Hereditary cancer-predisposing syndrome. Also called: Neoplastic Syndromes, Hereditary; Hereditary neoplastic syndrome; Tumor predisposition; Hereditary Cancer Syndrome. Identifiers: Orphanet 140162, MedGen C0027672, MeSH D009386, MONDO:0015356.
Peutz-Jeghers syndrome (PJS). Also called: POLYPOSIS, HAMARTOMATOUS INTESTINAL; POLYPS-AND-SPOTS SYNDROME; Peutz-Jeghers polyposis; Periorificial lentiginosis syndrome. Identifiers: Orphanet 2869, MedGen C0031269, MeSH D010580, MONDO:0008280, OMIM 175200.

Submissions (5):

Myriad Genetics, Inc.
Classification: Pathogenic for Peutz-Jeghers syndrome. Last evaluated: 2024-02-12. Review status: criteria provided, single submitter. Criteria: Myriad Autosomal Dominant, Autosomal Recessive and X-Linked Classification Criteria (2023). Collection method: clinical testing. Allele origin: unknown.
Comment: This variant is considered pathogenic. This variant creates a frameshift predicted to result in premature protein truncation.

Labcorp Genetics (formerly Invitae), Labcorp
Classification: Pathogenic for Peutz-Jeghers syndrome. Last evaluated: 2023-09-05. Review status: criteria provided, single submitter. Criteria: Invitae Variant Classification Sherloc (09022015). Collection method: clinical testing. Allele origin: germline.
Comment: This premature translational stop signal has been observed in individual(s) with Peutz-Jeghers syndrome (PMID: 21118512). For these reasons, this variant has been classified as Pathogenic. ClinVar contains an entry for this variant (Variation ID: 545746). This variant is not present in population databases (gnomAD no frequency). This sequence change creates a premature translational stop signal (p.Asn181Thrfs*106) in the STK11 gene. It is expected to result in an absent or disrupted protein product. Loss-of-function variants in STK11 are known to be pathogenic (PMID: 15188174, 16287113).

GeneDx
Classification: Pathogenic. Last evaluated: 2022-09-29. Review status: criteria provided, single submitter. Criteria: GeneDx Variant Classification Process June 2021. Collection method: clinical testing. Allele origin: germline. Affected: yes.
Comment: Frameshift variant predicted to result in protein truncation or nonsense mediated decay in a gene for which loss of function is a known mechanism of disease; Not observed at significant frequency in large population cohorts (gnomAD); This variant is associated with the following publications: (PMID: 21118512)

MGZ Medical Genetics Center
Classification: Pathogenic for Peutz-Jeghers syndrome. Last evaluated: 2022-08-03. Review status: criteria provided, single submitter. Criteria: ACMG Guidelines, 2015. Collection method: clinical testing. Allele origin: germline. Affected: yes. Observed: 1 variant allele.
Comment: ACMG criteria applied: PVS1, PS4_SUP, PM2_SUP

Ambry Genetics
Classification: Pathogenic for Hereditary cancer-predisposing syndrome. Last evaluated: 2020-01-09. Review status: criteria provided, single submitter. Criteria: Ambry Variant Classification Scheme 2023. Collection method: clinical testing. Allele origin: germline.
Comment: The c.540delG pathogenic mutation, located in coding exon 4 of the STK11 gene, results from a deletion of one nucleotide at nucleotide position 540, causing a translational frameshift with a predicted alternate stop codon (p.N181Tfs*106). This alteration is expected to result in loss of function by premature protein truncation or nonsense-mediated mRNA decay. As such, this alteration is interpreted as a disease-causing mutation.

Literature cited by the submitters: PubMed 21118512 (cited by Labcorp Genetics (formerly Invitae), Labcorp); PubMed 15188174 (cited by Labcorp Genetics (formerly Invitae), Labcorp); PubMed 16287113 (cited by Labcorp Genetics (formerly Invitae), Labcorp).